The following is an entry in ClinVar:

ClinVar aggregate classification (germline): Uncertain significance. Review status: criteria provided, multiple submitters, no conflicts (2 of 4 stars). 6 submissions from 6 submitters: Uncertain significance (6). Last evaluated 2025-04-10.

Conditions:
Cardiovascular phenotype. Identifiers: MedGen CN230736.
Keratosis palmoplantaris striata 2. Also called: KERATODERMA, PALMOPLANTAR, STRIATE FORM II; STRIATE PALMOPLANTAR KERATODERMA II; Keratosis palmoplantaris striata II. Identifiers: MedGen C1852127, MONDO:0013034, OMIM 612908.
Lethal acantholytic epidermolysis bullosa (EBLA). Identifiers: Orphanet 158687, MedGen C1864826, MONDO:0012323, OMIM 609638.
Arrhythmogenic cardiomyopathy with wooly hair and keratoderma. Also called: Dilated cardiomyopathy with woolly hair and keratoderma; PALMOPLANTAR KERATODERMA WITH LEFT VENTRICULAR CARDIOMYOPATHY AND WOOLLY HAIR; Carvajal syndrome; Arrhythmogenic cardiomyopathy with woolly hair and keratoderma. Identifiers: Orphanet 65282, MedGen C1854063, MONDO:0011581, OMIM 605676.
Woolly hair-skin fragility syndrome (WHSF). Identifiers: Orphanet 293165, MedGen C1843292, MONDO:0957307, OMIM 620415.
Arrhythmogenic right ventricular dysplasia 8 (ARVD8). Also called: Arrhythmogenic Right Ventricular Dysplasia/Cardiomyopathy 8; ARRHYTHMOGENIC RIGHT VENTRICULAR DYSPLASIA, FAMILIAL, 8; ARRHYTHMOGENIC RIGHT VENTRICULAR CARDIOMYOPATHY 8. Identifiers: MedGen C1843896, MONDO:0011831, OMIM 607450.
Cardiomyopathy, dilated, with wooly hair, keratoderma, and tooth agenesis. Also called: Cardiomyopathy, dilated, with woolly hair, keratoderma, and tooth agenesis; Erythrokeratodermia-cardiomyopathy syndrome. Identifiers: Orphanet 476096, Orphanet 65282, MedGen C4014393, MONDO:0014355, OMIM 615821.
Cardiomyopathy (CMYO). Also called: Cardiomyopathies. Identifiers: Orphanet 167848, MedGen C0878544, MONDO:0004994, HP:0001638. Inheritance: Various modes of inheritance.

Allele frequency attached by ClinVar (database versions not stated): gnomAD exomes below 0.00001 and 0.00001; gnomAD 0.00001; TOPMed 0.00002.
gnomAD v4.1: 14 of 1,613,296 alleles (0.00087%); highest among the groups gnomAD compares: Non-Finnish European, 0.0012%; no homozygotes.

Submissions (6):

Ambry Genetics
Classification: Uncertain significance for Cardiovascular phenotype. Last evaluated: 2025-04-10. Review status: criteria provided, single submitter. Criteria: Ambry Variant Classification Scheme 2023. Collection method: clinical testing. Allele origin: germline.
Comment: The p.A1001S variant (also known as c.3001G>T), located in coding exon 22 of the DSP gene, results from a G to T substitution at nucleotide position 3001. The alanine at codon 1001 is replaced by serine, an amino acid with similar properties. This amino acid position is conserved. In addition, this alteration is predicted to be tolerated by in silico analysis. Based on the available evidence, the clinical significance of this variant remains unclear.

Color Diagnostics, LLC DBA Color Health
Classification: Uncertain significance for Cardiomyopathy. Last evaluated: 2024-03-06. Review status: criteria provided, single submitter. Criteria: ACMG Guidelines, 2015. Collection method: clinical testing. Allele origin: germline.
Comment: This missense variant replaces alanine with serine at codon 1001 of the DSP protein. Computational prediction suggests that this variant may not impact protein structure and function (internally defined REVEL score threshold <= 0.5, PMID: 27666373). To our knowledge, functional studies have not been reported for this variant. This variant has not been reported in individuals affected with cardiovascular disorders in the literature. This variant has been identified in 1/251290 chromosomes in the general population by the Genome Aggregation Database (gnomAD). The available evidence is insufficient to determine the role of this variant in disease conclusively. Therefore, this variant is classified as a Variant of Uncertain Significance.

All of Us Research Program, National Institutes of Health
Classification: Uncertain significance for Arrhythmogenic cardiomyopathy with wooly hair and keratoderma. Last evaluated: 2023-11-30. Review status: criteria provided, single submitter. Criteria: ACMG Guidelines, 2015. Collection method: clinical testing. Allele origin: germline. Inheritance: Autosomal dominant inheritance. Observed: 2 variant alleles, 2 heterozygotes.
Comment: This missense variant replaces alanine with serine at codon 1001 of the DSP protein. Computational prediction suggests that this variant may not impact protein structure and function (internally defined REVEL score threshold <= 0.5, PMID: 27666373). To our knowledge, functional studies have not been reported for this variant. This variant has not been reported in individuals affected with cardiovascular disorders in the literature. This variant has been identified in 1/251290 chromosomes in the general population by the Genome Aggregation Database (gnomAD). The available evidence is insufficient to determine the role of this variant in disease conclusively. Therefore, this variant is classified as a Variant of Uncertain Significance.

This study involves interpretation of variants in research participants for the purpose of population health screening. Participant phenotype was not available at the time of variant classification. Additional details can be found in publication PMID: 35346344, PMCID: PMC8962531

Labcorp Genetics (formerly Invitae), Labcorp
Classification: Uncertain significance for Arrhythmogenic cardiomyopathy with wooly hair and keratoderma; Arrhythmogenic right ventricular dysplasia 8. Last evaluated: 2023-03-20. Review status: criteria provided, single submitter. Criteria: Invitae Variant Classification Sherloc (09022015). Collection method: clinical testing. Allele origin: germline.
Comment: This variant is present in population databases (no rsID available, gnomAD 0.0009%). This sequence change replaces alanine, which is neutral and non-polar, with serine, which is neutral and polar, at codon 1001 of the DSP protein (p.Ala1001Ser). This variant has not been reported in the literature in individuals affected with DSP-related conditions. In summary, the available evidence is currently insufficient to determine the role of this variant in disease. Therefore, it has been classified as a Variant of Uncertain Significance. Algorithms developed to predict the effect of missense changes on protein structure and function output the following: SIFT: "Not Available"; PolyPhen-2: "Benign"; Align-GVGD: "Not Available". The serine amino acid residue is found in multiple mammalian species, which suggests that this missense change does not adversely affect protein function. ClinVar contains an entry for this variant (Variation ID: 1171311).

Fulgent Genetics
Classification: Uncertain significance for Arrhythmogenic cardiomyopathy with wooly hair and keratoderma; Arrhythmogenic right ventricular dysplasia 8; Lethal acantholytic epidermolysis bullosa; Keratosis palmoplantaris striata 2; Cardiomyopathy, dilated, with wooly hair, keratoderma, and tooth agenesis. Last evaluated: 2021-09-14. Review status: criteria provided, single submitter. Criteria: ACMG Guidelines, 2015. Collection method: clinical testing. Allele origin: unknown.

Women's Health and Genetics/Laboratory Corporation of America, LabCorp
Classification: Uncertain significance. Last evaluated: 2021-06-21. Review status: criteria provided, single submitter. Criteria: LabCorp Variant Classification Summary - May 2015. Collection method: clinical testing. Allele origin: germline.
Comment: Variant summary: DSP c.3001G>T (p.Ala1001Ser) results in a conservative amino acid change in the encoded protein sequence. Four of five in-silico tools predict a benign effect of the variant on protein function. The variant allele was found at a frequency of 4e-06 in 251290 control chromosomes. The available data on variant occurrences in the general population are insufficient to allow any conclusion about variant significance. To our knowledge, no occurrence of c.3001G>T in individuals affected with Arrhythmogenic Right Ventricular Dysplasia/Cardiomyopathy and no experimental evidence demonstrating its impact on protein function have been reported. One clinical diagnostic laboratory has submitted clinical-significance assessments for this variant to ClinVar after 2014 without evidence for independent evaluation and cited the variant as uncertain significance. Based on the evidence outlined above, the variant was classified as uncertain significance.

NM_004415.4(DSP):c.3001G>T (p.Ala1001Ser)

Gene: DSP (desmoplakin; plus strand). Cytogenetic location: 6p24.3.
Variant type: single nucleotide variant.
Coding change: c.3001G>T on transcript NM_004415.4 (MANE Select); coding-DNA position 3001, G replaced by T.
Protein change: p.Ala1001Ser; replaces alanine 1001 with serine.
Molecular consequence: missense variant.
Genome position (GRCh38, 1-based): chr6:7,578,479, G>T. VCF-style: chr6-7578479-G-T. GRCh37 (hg19) VCF-style: chr6-7578712-G-T.
Other names: c.3001G>T, p.Ala1001Ser (NM_001008844.3, NM_001319034.2); short protein forms A1001S.
Identifiers: ClinVar variation 1171311 (VCV001171311.11), dbSNP rs1218975129, ClinGen allele CA362682621.